The following is an entry in ClinVar:

NM_001170700.3(DTHD1):c.2081del (p.Asn694fs)

Gene: DTHD1 (death domain containing 1; plus strand). Cytogenetic location: 4p14.
Variant type: Deletion.
Coding change: c.2081del on transcript NM_001170700.3 (MANE Select); coding-DNA position 2081, one base deleted (A; older notation c.2081delA).
Protein change: p.Asn694fs; shifts the reading frame from asparagine 694.
Molecular consequence: frameshift variant. On other transcripts: non-coding transcript variant (2).
Genome position (GRCh38, 1-based): chr4:36,308,479, A deleted; the last of 3 consecutive A bases (chr4:36,308,477-36,308,479); deleting any one gives the same sequence. VCF-style (leftmost placement, unchanged base first): chr4-36308476-GA-G. GRCh37 (hg19) VCF-style: chr4-36310098-GA-G.
Other names: c.1211del, p.Asn404fs (NM_001136536.5); c.1148del, p.Asn383fs (NM_001378435.1); short protein forms N694fs, N383fs, N404fs.
Identifiers: ClinVar variation 2078883 (VCV002078883.4), dbSNP rs2529769501, ClinGen allele CA2580070951.

ClinVar aggregate classification (germline): Uncertain significance (1 of 4 stars; one submission).

Submission:

Labcorp Genetics (formerly Invitae), Labcorp
Classification: Uncertain significance. Last evaluated: 2022-01-11. Review status: criteria provided, single submitter. Criteria: Invitae Variant Classification Sherloc (09022015). Collection method: clinical testing. Allele origin: germline.
Comment: In summary, the available evidence is currently insufficient to determine the role of this variant in disease. Therefore, it has been classified as a Variant of Uncertain Significance. Experimental studies and prediction algorithms are not available or were not evaluated, and the functional significance of this variant is currently unknown. This variant has not been reported in the literature in individuals affected with DTHD1-related conditions. This variant is not present in population databases (gnomAD no frequency). This sequence change creates a premature translational stop signal (p.Asn404Thrfs*59) in the DTHD1 gene. It is expected to result in an absent or disrupted protein product. However, the current clinical and genetic evidence is not sufficient to establish whether loss-of-function variants in DTHD1 cause disease.